The following is an entry in ClinVar:

NM_006939.4(SOS2):c.970-19A>G

Gene: SOS2 (SOS Ras/Rho guanine nucleotide exchange factor 2; minus strand). Cytogenetic location: 14q21.3.
Variant type: single nucleotide variant.
Coding change: c.970-19A>G on transcript NM_006939.4 (MANE Select); 19 bases into the intron before coding-DNA position 970, A replaced by G.
Molecular consequence: intron variant.
Genome position (GRCh38, 1-based): chr14:50,174,571, T>C on the plus strand (A>G on the coding strand, the complement: SOS2 is on the minus strand). VCF-style: chr14-50174571-T-C. GRCh37 (hg19) VCF-style: chr14-50641289-T-C.
Identifiers: ClinVar variation 506602 (VCV000506602.13), dbSNP rs369274700, ClinGen allele CA7177374.

ClinVar aggregate classification (germline): Benign/Likely benign. Review status: criteria provided, multiple submitters, no conflicts (2 of 4 stars). 5 submissions from 5 submitters: Benign (4); Likely benign (1). Last evaluated 2025-12-25.

Conditions:
Noonan syndrome 9 (NS9). Identifiers: Orphanet 648, MedGen C4225282, MONDO:0014691, OMIM 616559.

Allele frequency attached by ClinVar (database versions not stated): gnomAD 0.00004 and 0.00017; TOPMed 0.00005; ESP Exome Variant Server 0.00008; 1000 Genomes Project 0.00040; 1000 Genomes Project 30x 0.00062.
gnomAD v4.1: 419 of 1,476,228 alleles (0.028%); highest among the groups gnomAD compares: South Asian, 0.37%; 3 homozygotes.

Submissions (5):

Labcorp Genetics (formerly Invitae), Labcorp
Classification: Benign for Noonan syndrome 9. Last evaluated: 2025-12-25. Review status: criteria provided, single submitter. Criteria: Invitae Variant Classification Sherloc (09022015). Collection method: clinical testing. Allele origin: germline.

Blueprint Genetics
Classification: Likely benign. Last evaluated: 2024-11-19. Review status: criteria provided, single submitter. Criteria: ACMG Guidelines, 2015. Collection method: clinical testing. Allele origin: germline.

Women's Health and Genetics/Laboratory Corporation of America, LabCorp
Classification: Benign. Last evaluated: 2020-06-10. Review status: criteria provided, single submitter. Criteria: LabCorp Variant Classification Summary - May 2015. Collection method: clinical testing. Allele origin: germline.
Comment: Variant summary: SOS2 c.970-19A>G alters a nucleotide located close to a canonical splice site and therefore could affect mRNA splicing, leading to a significantly altered protein sequence. 4/4 computational tools predict no significant impact on normal splicing. However, these predictions have yet to be confirmed by functional studies. The variant allele was found at a frequency of 0.00053 in 242098 control chromosomes, predominantly at a frequency of 0.0036 within the South Asian subpopulation in the gnomAD database, including 1 homozygote. The observed variant frequency within South Asian control individuals in the gnomAD database is approximately 1440 fold of the estimated maximal expected allele frequency for a pathogenic variant in SOS2 causing Noonan Syndrome and Related Conditions phenotype (2.5e-06), strongly suggesting that the variant is a benign polymorphism found primarily in populations of South Asian origin. To our knowledge, no occurrence of c.970-19A>G in individuals affected with Noonan Syndrome and Related Conditions and no experimental evidence demonstrating its impact on protein function have been reported. One ClinVar submitter (evaluation after 2014) cite the variant as benign. Based on the evidence outlined above, the variant was classified as benign.

GeneDx
Classification: Benign. Last evaluated: 2017-03-22. Review status: criteria provided, single submitter. Criteria: GeneDx Variant Classification (06012015). Collection method: clinical testing. Allele origin: germline. Affected: yes.
Comment: This variant is considered likely benign or benign based on one or more of the following criteria: it is a conservative change, it occurs at a poorly conserved position in the protein, it is predicted to be benign by multiple in silico algorithms, and/or has population frequency not consistent with disease.

Genome-Nilou Lab
Classification: Benign for Noonan syndrome 9. Review status: criteria provided, single submitter. Criteria: ACMG Guidelines, 2015. Collection method: clinical testing. Allele origin: germline.